The following is an entry in ClinVar:

NM_005027.4(PIK3R2):c.560C>A (p.Thr187Asn)

Genes: PIK3R2 (phosphoinositide-3-kinase regulatory subunit 2; plus strand), LOC130063979 (ATAC-STARR-seq lymphoblastoid silent region 10375; plus strand). Cytogenetic location: 19p13.11.
Variant type: single nucleotide variant.
Coding change: c.560C>A on transcript NM_005027.4 (MANE Select); coding-DNA position 560, C replaced by A.
Protein change: p.Thr187Asn; replaces threonine 187 with asparagine.
Molecular consequence: missense variant. On other transcripts: non-coding transcript variant (2).
Genome position (GRCh38, 1-based): chr19:18,161,147, C>A. VCF-style: chr19-18161147-C-A. GRCh37 (hg19) VCF-style: chr19-18271957-C-A.
Other names: short protein forms T187N.
Identifiers: ClinVar variation 3698949 (VCV003698949.2).

ClinVar aggregate classification (germline): Uncertain significance (1 of 4 stars; one submission).

Conditions:
Megalencephaly-polymicrogyria-postaxial polydactyly-hydrocephalus syndrome. Also called: MPPH Syndrome; MEG-PMG-MEGACC SYNDROME. Identifiers: Orphanet 83473, MedGen C1863924, MONDO:0019375.

gnomAD v4.1: 7 of 1,552,544 alleles (0.00045%); highest among the groups gnomAD compares: Non-Finnish European, 0.00061%; no homozygotes.

Submission:

Labcorp Genetics (formerly Invitae), Labcorp
Classification: Uncertain significance for Megalencephaly-polymicrogyria-postaxial polydactyly-hydrocephalus syndrome. Last evaluated: 2024-10-02. Review status: criteria provided, single submitter. Criteria: Invitae Variant Classification Sherloc (09022015). Collection method: clinical testing. Allele origin: germline.
Comment: This sequence change replaces threonine, which is neutral and polar, with asparagine, which is neutral and polar, at codon 187 of the PIK3R2 protein (p.Thr187Asn). This variant is not present in population databases (gnomAD no frequency). This variant has not been reported in the literature in individuals affected with PIK3R2-related conditions. Invitae Evidence Modeling of protein sequence and biophysical properties (such as structural, functional, and spatial information, amino acid conservation, physicochemical variation, residue mobility, and thermodynamic stability) indicates that this missense variant is not expected to disrupt PIK3R2 protein function with a negative predictive value of 95%. In summary, the available evidence is currently insufficient to determine the role of this variant in disease. Therefore, it has been classified as a Variant of Uncertain Significance.